The following is an entry in ClinVar:

ClinVar aggregate classification (germline): Uncertain significance (1 of 4 stars; one submission).

Conditions:
Hereditary cancer-predisposing syndrome. Also called: Hereditary Cancer Syndrome; Hereditary neoplastic syndrome; Tumor predisposition; Neoplastic Syndromes, Hereditary. Identifiers: Orphanet 140162, MedGen C0027672, MeSH D009386, MONDO:0015356.

Submission:

Ambry Genetics
Classification: Uncertain significance for Hereditary cancer-predisposing syndrome. Last evaluated: 2022-03-23. Review status: criteria provided, single submitter. Criteria: Ambry Variant Classification Scheme 2023. Collection method: clinical testing. Allele origin: germline.
Comment: The p.D764E variant (also known as c.2292C>G), located in coding exon 14 of the CDH1 gene, results from a C to G substitution at nucleotide position 2292. The aspartic acid at codon 764 is replaced by glutamic acid, an amino acid with highly similar properties. This amino acid position is highly conserved in available vertebrate species. In addition, the in silico prediction for this alteration is inconclusive. Since supporting evidence is limited at this time, the clinical significance of this alteration remains unclear.

NM_004360.5(CDH1):c.2292C>G (p.Asp764Glu)

Gene: CDH1 (cadherin 1; plus strand). Cytogenetic location: 16q22.1.
Variant type: single nucleotide variant.
Coding change: c.2292C>G on transcript NM_004360.5 (MANE Select); coding-DNA position 2292, C replaced by G.
Protein change: p.Asp764Glu; replaces aspartic acid 764 with glutamic acid.
Molecular consequence: missense variant.
Genome position (GRCh38, 1-based): chr16:68,828,301, C>G. VCF-style: chr16-68828301-C-G. GRCh37 (hg19) VCF-style: chr16-68862204-C-G.
Other names: c.2109C>G, p.Asp703Glu (NM_001317184.2); c.744C>G, p.Asp248Glu (NM_001317185.2); c.327C>G, p.Asp109Glu (NM_001317186.2); short protein forms D764E, D248E, D703E, D109E.
Identifiers: ClinVar variation 1789123 (VCV001789123.2), dbSNP rs61747636, ClinGen allele CA396470133.
Genomic context (GRCh38, chr16:68,828,301, plus strand): 5'-AGAGGATGACACCCGGGACAACGTTTATTACTATGATGAAGAAGGAGGCGGAGAAGAGGA[C>G]CAGGTGGGTTTTGAAAACCTTGGTAGCTCAGTGGTGATCTCTTTATTCGGAAGAAGCAAT-3'
Protein context (NP_004351.1, residues 754-774): YYDEEGGGEE[Asp764Glu]QDFDLSQLHR